The following is an entry in ClinVar:

ClinVar aggregate classification (germline): Uncertain significance (1 of 4 stars; one submission).

Allele frequency attached by ClinVar (database versions not stated): ExAC 0.00001; gnomAD exomes 0.00001; TOPMed 0.00001.

Submission:

Labcorp Genetics (formerly Invitae), Labcorp
Classification: Uncertain significance. Last evaluated: 2022-11-29. Review status: criteria provided, single submitter. Criteria: Invitae Variant Classification Sherloc (09022015). Collection method: clinical testing. Allele origin: germline.
Comment: This sequence change replaces serine, which is neutral and polar, with leucine, which is neutral and non-polar, at codon 201 of the GNB3 protein (p.Ser201Leu). This variant is present in population databases (rs782249757, gnomAD 0.003%). This variant has not been reported in the literature in individuals affected with GNB3-related conditions. In summary, the available evidence is currently insufficient to determine the role of this variant in disease. Therefore, it has been classified as a Variant of Uncertain Significance. Advanced modeling of protein sequence and biophysical properties (such as structural, functional, and spatial information, amino acid conservation, physicochemical variation, residue mobility, and thermodynamic stability) performed at Invitae indicates that this missense variant is expected to disrupt GNB3 protein function. ClinVar contains an entry for this variant (Variation ID: 1512685).

NM_002075.4(GNB3):c.602C>T (p.Ser201Leu)

Gene: GNB3 (G protein subunit beta 3; plus strand). Cytogenetic location: 12p13.31.
Variant type: single nucleotide variant.
Coding change: c.602C>T on transcript NM_002075.4 (MANE Select); coding-DNA position 602, C replaced by T.
Protein change: p.Ser201Leu; replaces serine 201 with leucine.
Molecular consequence: missense variant.
Genome position (GRCh38, 1-based): chr12:6,843,881, C>T. VCF-style: chr12-6843881-C-T. GRCh37 (hg19) VCF-style: chr12-6953045-C-T.
Other names: c.599C>T, p.Ser200Leu (NM_001297571.2); short protein forms S201L, S200L.
Identifiers: ClinVar variation 1512685 (VCV001512685.8), dbSNP rs782249757, ClinGen allele CA6417589.